The following is an entry in ClinVar:

NM_000381.4(MID1):c.992C>G (p.Thr331Ser)

Gene: MID1 (midline 1; minus strand). Cytogenetic location: Xp22.2.
Variant type: single nucleotide variant.
Coding change: c.992C>G on transcript NM_000381.4 (MANE Select); coding-DNA position 992, C replaced by G.
Protein change: p.Thr331Ser; replaces threonine 331 with serine.
Molecular consequence: missense variant.
Genome position (GRCh38, 1-based): chrX:10,482,501, G>C on the plus strand (C>G on the coding strand, the complement: MID1 is on the minus strand). VCF-style: chrX-10482501-G-C. GRCh37 (hg19) VCF-style: chrX-10450541-G-C.
Other names: c.992C>G, p.Thr331Ser (NM_001098624.2, NM_001193277.1, NM_001193279.1 and 2 more transcripts); c.1145C>G, p.Thr382Ser (NM_001193278.1); c.878C>G, p.Thr293Ser (NM_001193280.1, NM_033289.2); short protein forms T293S, T331S, T382S.
Identifiers: ClinVar variation 1314804 (VCV001314804.2), dbSNP rs2147299259, ClinGen allele CA412052771.

ClinVar aggregate classification (germline): Uncertain significance (1 of 4 stars; one submission).

Submission:

GeneDx
Classification: Uncertain significance. Last evaluated: 2020-01-28. Review status: criteria provided, single submitter. Criteria: GeneDx Variant Classification Process June 2021. Collection method: clinical testing. Allele origin: germline. Affected: yes.
Comment: Not observed in large population cohorts (Lek et al., 2016); In silico analysis, which includes protein predictors and evolutionary conservation, supports that this variant does not alter protein structure/function; Has not been previously published as pathogenic or benign to our knowledge